The following is an entry in ClinVar:

NM_000093.5(COL5A1):c.3960C>T (p.Ala1320=)

Gene: COL5A1 (collagen type V alpha 1 chain; plus strand). Cytogenetic location: 9q34.3.
Variant type: single nucleotide variant.
Coding change: c.3960C>T on transcript NM_000093.5 (MANE Select); coding-DNA position 3960, C replaced by T.
Protein change: p.Ala1320=; no amino-acid change (alanine 1320 retained).
Molecular consequence: synonymous variant.
Genome position (GRCh38, 1-based): chr9:134,814,850, C>T. VCF-style: chr9-134814850-C-T. GRCh37 (hg19) VCF-style: chr9-137706696-C-T.
Other names: p.Ala1320=; c.3960C>T, p.Ala1320= (NM_001278074.1).
Identifiers: ClinVar variation 391636 (VCV000391636.16), dbSNP rs1057524173, ClinGen allele CA16605680.

ClinVar aggregate classification (germline): Likely benign. Review status: criteria provided, multiple submitters, no conflicts (2 of 4 stars). 5 submissions from 5 submitters: Likely benign (5). Last evaluated 2025-12-27.

Conditions:
Ehlers-Danlos syndrome, classic type, 1 (EDSCL1). Also called: Ehlers-Danlos syndrome, type 1; Ehlers-Danlos Syndrome, Classic Type, COL5A1-Related; EDS I; EHLERS-DANLOS SYNDROME, GRAVIS TYPE; EHLERS-DANLOS SYNDROME, SEVERE CLASSIC TYPE. Identifiers: MedGen C0268335, MONDO:0019567, OMIM 130000.
Familial thoracic aortic aneurysm and aortic dissection (TAAD). Also called: Thoracic aortic aneurysms and dissections. Identifiers: Orphanet 91387, MedGen C4707243, MONDO:0019625.

Allele frequency attached by ClinVar (database versions not stated): gnomAD 0.00002; TOPMed 0.00003; gnomAD exomes 0.00001.
gnomAD v4.1: 42 of 1,551,560 alleles (0.0027%); highest among the groups gnomAD compares: Admixed American, 0.0039%; no homozygotes.

Submissions (5):

Labcorp Genetics (formerly Invitae), Labcorp
Classification: Likely benign for Ehlers-Danlos syndrome, classic type, 1. Last evaluated: 2025-12-27. Review status: criteria provided, single submitter. Criteria: Invitae Variant Classification Sherloc (09022015). Collection method: clinical testing. Allele origin: germline.

Mayo Clinic Laboratories, Mayo Clinic
Classification: Likely benign. Last evaluated: 2025-09-25. Review status: criteria provided, single submitter. Criteria: ACMG Guidelines, 2015. Collection method: clinical testing. Allele origin: germline. Observed: 1 variant allele.
Comment: BP4, BP7, PM2_supporting

Ambry Genetics
Classification: Likely benign for Familial thoracic aortic aneurysm and aortic dissection. Last evaluated: 2024-01-03. Review status: criteria provided, single submitter. Criteria: Ambry Variant Classification Scheme 2023. Collection method: clinical testing. Allele origin: germline.

Blueprint Genetics
Classification: Likely benign. Last evaluated: 2023-05-24. Review status: criteria provided, single submitter. Criteria: ACMG Guidelines, 2015. Collection method: clinical testing. Allele origin: germline.

GeneDx
Classification: Likely benign. Last evaluated: 2020-09-16. Review status: criteria provided, single submitter. Criteria: GeneDx Variant Classification Process June 2021. Collection method: clinical testing. Allele origin: germline. Affected: yes.